The following is an entry in ClinVar:

NM_006230.4(POLD2):c.1108C>T (p.Arg370Trp)

Gene: POLD2 (DNA polymerase delta 2, accessory subunit; minus strand). Cytogenetic location: 7p13.
Variant type: single nucleotide variant.
Coding change: c.1108C>T on transcript NM_006230.4 (MANE Select); coding-DNA position 1108, C replaced by T.
Protein change: p.Arg370Trp; replaces arginine 370 with tryptophan.
Molecular consequence: missense variant.
Genome position (GRCh38, 1-based): chr7:44,115,805, G>A on the plus strand (C>T on the coding strand, the complement: POLD2 is on the minus strand). VCF-style: chr7-44115805-G-A. GRCh37 (hg19) VCF-style: chr7-44155404-G-A.
Other names: c.1108C>T, p.Arg370Trp (NM_001127218.3, NM_001256879.2); short protein forms R370W.
Identifiers: ClinVar variation 2891683 (VCV002891683.3), dbSNP rs762578568, ClinGen allele CA4238641.

ClinVar aggregate classification (germline): Uncertain significance (1 of 4 stars; one submission).

Allele frequency attached by ClinVar (database versions not stated): TOPMed 0.00002; ExAC 0.00003; gnomAD 0.00004.
gnomAD v4.1: 34 of 1,613,752 alleles (0.0021%); highest among the groups gnomAD compares: South Asian, 0.0055%; no homozygotes.

Submission:

Labcorp Genetics (formerly Invitae), Labcorp
Classification: Uncertain significance. Last evaluated: 2024-01-19. Review status: criteria provided, single submitter. Criteria: Invitae Variant Classification Sherloc (09022015). Collection method: clinical testing. Allele origin: germline.
Comment: This sequence change replaces arginine, which is basic and polar, with tryptophan, which is neutral and slightly polar, at codon 405 of the POLD2 protein (p.Arg405Trp). This variant is present in population databases (rs762578568, gnomAD 0.05%). This variant has not been reported in the literature in individuals affected with POLD2-related conditions. Experimental studies and prediction algorithms are not available or were not evaluated, and the functional significance of this variant is currently unknown. In summary, the available evidence is currently insufficient to determine the role of this variant in disease. Therefore, it has been classified as a Variant of Uncertain Significance.